The following is an entry in ClinVar:

NM_006648.4(WNK2):c.2510C>T (p.Ala837Val)

Gene: WNK2 (WNK lysine deficient protein kinase 2; plus strand). Cytogenetic location: 9q22.31.
Variant type: single nucleotide variant.
Coding change: c.2510C>T on transcript NM_006648.4 (MANE Select); coding-DNA position 2510, C replaced by T.
Protein change: p.Ala837Val; replaces alanine 837 with valine.
Molecular consequence: missense variant.
Genome position (GRCh38, 1-based): chr9:93,259,058, C>T. VCF-style: chr9-93259058-C-T. GRCh37 (hg19) VCF-style: chr9-96021340-C-T.
Other names: c.2510C>T, p.Ala837Val (NM_001282394.3); short protein forms A837V.
Identifiers: ClinVar variation 3982200 (VCV003982200.1).

ClinVar aggregate classification (germline): Uncertain significance (1 of 4 stars; one submission).

Submission:

Ambry Genetics
Classification: Uncertain significance. Last evaluated: 2025-06-09. Review status: criteria provided, single submitter. Criteria: Ambry Variant Classification Scheme 2023. Collection method: clinical testing. Allele origin: germline.
Comment: The p.A837V variant (also known as c.2510C>T), located in coding exon 11 of the WNK2 gene, results from a C to T substitution at nucleotide position 2510. The alanine at codon 837 is replaced by valine, an amino acid with similar properties. This amino acid position is conserved. In addition, the in silico prediction for this alteration is inconclusive. Based on the available evidence, the clinical significance of this variant remains unclear.